The following is an entry in ClinVar:

ClinVar aggregate classification (germline): Uncertain significance (1 of 4 stars; one submission).

Conditions:
Aortic aneurysm, familial thoracic 4 (AAT4). Also called: AORTIC ANEURYSM/AORTIC DISSECTION AND PATENT DUCTUS ARTERIOSUS. Identifiers: MedGen C1851504, MONDO:0007568, OMIM 132900.

Submission:

Labcorp Genetics (formerly Invitae), Labcorp
Classification: Uncertain significance for Aortic aneurysm, familial thoracic 4. Last evaluated: 2022-05-21. Review status: criteria provided, single submitter. Criteria: Invitae Variant Classification Sherloc (09022015). Collection method: clinical testing. Allele origin: germline.
Comment: In summary, the available evidence is currently insufficient to determine the role of this variant in disease. Therefore, it has been classified as a Variant of Uncertain Significance. Algorithms developed to predict the effect of missense changes on protein structure and function (SIFT, PolyPhen-2, Align-GVGD) all suggest that this variant is likely to be disruptive. This variant has not been reported in the literature in individuals affected with MYH11-related conditions. This variant is not present in population databases (gnomAD no frequency). This sequence change replaces aspartic acid, which is acidic and polar, with tyrosine, which is neutral and polar, at codon 1867 of the MYH11 protein (p.Asp1867Tyr).

NM_002474.3(MYH11):c.5578G>T (p.Asp1860Tyr)

Genes: MYH11 (myosin heavy chain 11; minus strand), NDE1 (nudE neurodevelopment protein 1; plus strand). Cytogenetic location: 16p13.11.
Variant type: single nucleotide variant.
Coding change: c.5578G>T on transcript NM_002474.3 (MANE Select); coding-DNA position 5578, G replaced by T.
Protein change: p.Asp1860Tyr; replaces aspartic acid 1860 with tyrosine.
Molecular consequence: missense variant. On other transcripts: intron variant (2).
Genome position (GRCh38, 1-based): chr16:15,715,199, C>A on the plus strand (G>T on the coding strand, the complement: MYH11 is on the minus strand). VCF-style: chr16-15715199-C-A. GRCh37 (hg19) VCF-style: chr16-15809056-C-A.
Other names: c.5599G>T, p.Asp1867Tyr (NM_001040113.2, NM_001040114.2); c.5578G>T, p.Asp1860Tyr (NM_022844.3); c.948-8992C>A (NM_001143979.2, NM_017668.3); short protein forms D1860Y, D1867Y.
Identifiers: ClinVar variation 1997289 (VCV001997289.4), dbSNP rs2510049289, ClinGen allele CA394847329.
Genomic context (GRCh38, chr16:15,715,199, plus strand): 5'-AGGGAGGCTGGGTGGCAGGGGCTACCTGCTCCTTGTACTGCTCGGCCATCTTGCGCTCGT[C>A]CTCCACCTGCAGCAAGATTTCCTTCAGCTTCTTGTCTTTCTGCTTCAGCGACTTGGTGGC-3'
Protein context (NP_002465.1, residues 1850-1870): KLKEILLQVE[Asp1860Tyr]ERKMAEQYKE